The following is an entry in ClinVar:

NM_000843.4(GRM6):c.1345C>T (p.Arg449Cys)

Genes: GRM6 (glutamate metabotropic receptor 6; minus strand), ZNF454 (zinc finger protein 454; plus strand). Cytogenetic location: 5q35.3.
Variant type: single nucleotide variant.
Coding change: c.1345C>T on transcript NM_000843.4 (MANE Select); coding-DNA position 1345, C replaced by T.
Protein change: p.Arg449Cys; replaces arginine 449 with cysteine.
Molecular consequence: missense variant.
Genome position (GRCh38, 1-based): chr5:178,988,944, G>A on the plus strand (C>T on the coding strand, the complement: GRM6 is on the minus strand). VCF-style: chr5-178988944-G-A. GRCh37 (hg19) VCF-style: chr5-178415945-G-A.
Other names: c.1345C>T (NM_000843.3); short protein forms R449C.
Identifiers: ClinVar variation 287847 (VCV000287847.10), dbSNP rs149837815, ClinGen allele CA3594119.
Genomic context (GRCh38, chr5:178,988,944, plus strand): 5'-CCAGCCCCCCAGCTGTCCTTCACTGCTGCAGGGGGGCAGGCACCCACTCACCATTGAAGC[G>A]GACAGCTCGAATGTACTGCAGAAGCATCCGCCCATCAGTGGGTTCCATCGCCGGGCACAG-3'
Protein context (NP_000834.2, residues 439-459): RMLLQYIRAV[Arg449Cys]FNGSAGTPVM

ClinVar aggregate classification (germline): Uncertain significance. Review status: criteria provided, multiple submitters, no conflicts (2 of 4 stars). 4 submissions from 4 submitters: Uncertain significance (4). Last evaluated 2025-02-25.

Conditions:
Inborn genetic diseases. Identifiers: MedGen C0950123, MeSH D030342.

Allele frequency attached by ClinVar (database versions not stated): ESP Exome Variant Server 0.00015; gnomAD exomes 0.00004; ExAC 0.00006; TOPMed 0.00011.
gnomAD v4.1: 145 of 1,612,582 alleles (0.009%); highest among the groups gnomAD compares: Middle Eastern, 0.018%; no homozygotes.

Submissions (4):

Ambry Genetics
Classification: Uncertain significance for Inborn genetic diseases. Last evaluated: 2025-02-25. Review status: criteria provided, single submitter. Criteria: Ambry Variant Classification Scheme 2023. Collection method: clinical testing. Allele origin: germline.

Labcorp Genetics (formerly Invitae), Labcorp
Classification: Uncertain significance. Last evaluated: 2022-09-13. Review status: criteria provided, single submitter. Criteria: Invitae Variant Classification Sherloc (09022015). Collection method: clinical testing. Allele origin: germline.
Comment: This sequence change replaces arginine, which is basic and polar, with cysteine, which is neutral and slightly polar, at codon 449 of the GRM6 protein (p.Arg449Cys). This variant is present in population databases (rs149837815, gnomAD 0.01%). This variant has not been reported in the literature in individuals affected with GRM6-related conditions. ClinVar contains an entry for this variant (Variation ID: 287847). Advanced modeling of protein sequence and biophysical properties (such as structural, functional, and spatial information, amino acid conservation, physicochemical variation, residue mobility, and thermodynamic stability) performed at Invitae indicates that this missense variant is not expected to disrupt GRM6 protein function. In summary, the available evidence is currently insufficient to determine the role of this variant in disease. Therefore, it has been classified as a Variant of Uncertain Significance.

Blueprint Genetics
Classification: Uncertain significance. Last evaluated: 2022-06-08. Review status: criteria provided, single submitter. Criteria: ACMG Guidelines, 2015. Collection method: clinical testing. Allele origin: germline.

Eurofins Ntd Llc (ga)
Classification: Uncertain significance. Last evaluated: 2016-06-07. Review status: criteria provided, single submitter. Criteria: EGL Classification Definitions 2015. Collection method: clinical testing. Allele origin: germline. Observed: 1 variant allele, 1 heterozygote.